The following is an entry in ClinVar:

NM_020365.5(EIF2B3):c.-72C>G

Genes: EIF2B3 (eukaryotic translation initiation factor 2B subunit gamma; minus strand), LOC129930429 (ATAC-STARR-seq lymphoblastoid active region 956; plus strand). Cytogenetic location: 1p34.1.
Variant type: single nucleotide variant.
Coding change: c.-72C>G on transcript NM_020365.5 (MANE Select); 72 bases upstream of the start codon, C replaced by G.
Molecular consequence: 5 prime UTR variant.
Genome position (GRCh38, 1-based): chr1:44,986,555, G>C on the plus strand (C>G on the coding strand, the complement: EIF2B3 is on the minus strand). VCF-style: chr1-44986555-G-C. GRCh37 (hg19) VCF-style: chr1-45452227-G-C.
Other names: c.-72C>G (NM_001166588.3, NM_001261418.2).
Identifiers: ClinVar variation 297453 (VCV000297453.6), dbSNP rs489676, ClinGen allele CA10610321.

ClinVar aggregate classification (germline): Benign. Review status: criteria provided, multiple submitters, no conflicts (2 of 4 stars). 2 submissions from 2 submitters: Benign (2). Last evaluated 2018-01-13.

Conditions:
Vanishing white matter disease. Also called: CACH syndrome; Childhood ataxia with diffuse central nervous system hypomyelination; Leukoencephalopathy with vanishing white matter; CACH/VWM syndrome; Cree leukoencehalopathy. Identifiers: Orphanet 135, Orphanet 99853, MedGen C1858991, MONDO:0800448.

Allele frequency attached by ClinVar (database versions not stated): gnomAD exomes 0.40417; 1000 Genomes Project 0.48063; 1000 Genomes Project 30x 0.49016; TOPMed 0.49813.
gnomAD v4.1: 72,914 of 152,278 alleles (48%); highest among the groups gnomAD compares: African/African-American, 63%; 18,328 homozygotes.

Submissions (2):

Illumina Laboratory Services, Illumina
Classification: Benign for Leukoencephalopathy with vanishing white matter 1. Last evaluated: 2018-01-13. Review status: criteria provided, single submitter. Criteria: ICSL Variant Classification Criteria 13 December 2019. Collection method: clinical testing. Allele origin: germline.
Comment: This variant was observed in the ICSL laboratory as part of a predisposition screen in an ostensibly healthy population. It had not been previously curated by ICSL or reported in the Human Gene Mutation Database (HGMD: prior to June 1st, 2018), and was therefore a candidate for classification through an automated scoring system. Utilizing variant allele frequency, disease prevalence and penetrance estimates, and inheritance mode, an automated score was calculated to assess if this variant is too frequent to cause the disease. Based on the score and internal cut-off values, a variant classified as benign is not then subjected to further curation. The score for this variant resulted in a classification of benign for this disease.

Breakthrough Genomics
Classification: Benign. Review status: criteria provided, single submitter. Criteria: ACMG Guidelines, 2015. Collection method: not provided. Allele origin: germline. Inheritance: Autosomal recessive inheritance. Affected: yes.